The following is an entry in ClinVar:

NM_016030.6(TRAPPC12):c.1886T>C (p.Leu629Pro)

Genes: TRAPPC12 (trafficking protein particle complex subunit 12; plus strand), TRAPPC12-AS1 (TRAPPC12 antisense RNA 1; minus strand). Cytogenetic location: 2p25.3.
Variant type: single nucleotide variant.
Coding change: c.1886T>C on transcript NM_016030.6 (MANE Select); coding-DNA position 1886, T replaced by C.
Protein change: p.Leu629Pro; replaces leucine 629 with proline.
Molecular consequence: missense variant. On other transcripts: non-coding transcript variant (1).
Genome position (GRCh38, 1-based): chr2:3,478,854, T>C. VCF-style: chr2-3478854-T-C. GRCh37 (hg19) VCF-style: chr2-3482625-T-C.
Other names: c.1886T>C, p.Leu629Pro (NM_001321102.2); short protein forms L629P.
Identifiers: ClinVar variation 1994886 (VCV001994886.4), dbSNP rs2528864476, ClinGen allele CA345734156.

ClinVar aggregate classification (germline): Uncertain significance (1 of 4 stars; one submission).

Submission:

Labcorp Genetics (formerly Invitae), Labcorp
Classification: Uncertain significance. Last evaluated: 2022-05-15. Review status: criteria provided, single submitter. Criteria: Invitae Variant Classification Sherloc (09022015). Collection method: clinical testing. Allele origin: germline.
Comment: This sequence change replaces leucine, which is neutral and non-polar, with proline, which is neutral and non-polar, at codon 629 of the TRAPPC12 protein (p.Leu629Pro). In summary, the available evidence is currently insufficient to determine the role of this variant in disease. Therefore, it has been classified as a Variant of Uncertain Significance. Algorithms developed to predict the effect of missense changes on protein structure and function are either unavailable or do not agree on the potential impact of this missense change (SIFT: "Not Available"; PolyPhen-2: "Probably Damaging"; Align-GVGD: "Not Available"). This variant has not been reported in the literature in individuals affected with TRAPPC12-related conditions. This variant is not present in population databases (gnomAD no frequency).